The following is an entry in ClinVar:

ClinVar aggregate classification (germline): Uncertain significance (1 of 4 stars; one submission).

Conditions:
Long QT syndrome (LQTS). Identifiers: MedGen C0023976, MeSH D008133, MONDO:0002442. Disease mechanism: loss of function. Inheritance: Various modes of inheritance.

Submission:

Labcorp Genetics (formerly Invitae), Labcorp
Classification: Uncertain significance for Long QT syndrome. Last evaluated: 2022-06-13. Review status: criteria provided, single submitter. Criteria: Invitae Variant Classification Sherloc (09022015). Collection method: clinical testing. Allele origin: germline.
Comment: In summary, the available evidence is currently insufficient to determine the role of this variant in disease. Therefore, it has been classified as a Variant of Uncertain Significance. Algorithms developed to predict the effect of sequence changes on RNA splicing suggest that this variant may create or strengthen a splice site. Algorithms developed to predict the effect of missense changes on protein structure and function are either unavailable or do not agree on the potential impact of this missense change (SIFT: "Deleterious"; PolyPhen-2: "Probably Damaging"; Align-GVGD: "Class C0"). This variant has not been reported in the literature in individuals affected with ANK2-related conditions. This variant is not present in population databases (gnomAD no frequency). This sequence change replaces proline, which is neutral and non-polar, with arginine, which is basic and polar, at codon 3296 of the ANK2 protein (p.Pro3296Arg).

NM_001148.6(ANK2):c.9887C>G (p.Pro3296Arg)

Gene: ANK2 (ankyrin 2; plus strand). Cytogenetic location: 4q26.
Variant type: single nucleotide variant.
Coding change: c.9887C>G on transcript NM_001148.6 (MANE Select); coding-DNA position 9887, C replaced by G.
Protein change: p.Pro3296Arg; replaces proline 3296 with arginine.
Molecular consequence: missense variant. On other transcripts: intron variant (68).
Genome position (GRCh38, 1-based): chr4:113,358,505, C>G. VCF-style: chr4-113358505-C-G. GRCh37 (hg19) VCF-style: chr4-114279661-C-G.
Other names: c.9653C>G, p.Pro3218Arg (NM_001386142.1); c.6287C>G, p.Pro2096Arg (NM_001386166.1); c.10028C>G, p.Pro3343Arg (NM_001386174.1); c.10004C>G, p.Pro3335Arg (NM_001386175.1); c.4412-2318C>G (NM_001386186.2, NM_001386148.2); c.4214-2318C>G (NM_001354269.3); c.4292-2318C>G (NM_001386187.2); c.4253-2318C>G (NM_001386147.1); and 35 more; short protein forms P2096R, P3218R, P3335R, P3343R, P3296R.
Identifiers: ClinVar variation 1378509 (VCV001378509.6), dbSNP rs774765910, ClinGen allele CA357939216.
Genomic context (GRCh38, chr4:113,358,505, plus strand): 5'-CTTCCCCAGAAGAACAGAAATCAGTAATCGAGATTCCTACTGCACCCATGGAGAATGTGC[C>G]TTTTACTGAAAGCAAATCCAAAATTCCTGTAAGGACTATGCCCACTTCCACCCCAGCACC-3'
Protein context (NP_001139.3, residues 3286-3306): EIPTAPMENV[Pro3296Arg]FTESKSKIPV